The following is an entry in ClinVar:

ClinVar aggregate classification (germline): Uncertain significance. Review status: criteria provided, multiple submitters, no conflicts (2 of 4 stars). 2 submissions from 2 submitters: Uncertain significance (2). Last evaluated 2023-03-31.

Conditions:
Lethal Kniest-like syndrome (DDSH). Also called: Dyssegmental Dysplasia. Identifiers: Orphanet 1865, MedGen C1857100, MONDO:0009140, OMIM 224410.
Schwartz-Jampel syndrome type 1 (SJS1). Also called: MYOTONIC MYOPATHY, DWARFISM, CHONDRODYSTROPHY, AND OCULAR AND FACIAL ABNORMALITIES; CHONDRODYSTROPHIC MYOTONIA. Identifiers: MedGen C4551479, MONDO:0100435, OMIM 255800.
Inborn genetic diseases. Identifiers: MedGen C0950123, MeSH D030342.

Allele frequency attached by ClinVar (database versions not stated): gnomAD exomes 0.00001; ExAC 0.00002; gnomAD 0.00002; TOPMed 0.00002; 1000 Genomes Project 30x 0.00016; 1000 Genomes Project 0.00020.
gnomAD v4.1: 8 of 1,614,184 alleles (0.0005%); highest among the groups gnomAD compares: East Asian, 0.018%; 1 homozygote.

Submissions (2):

Ambry Genetics
Classification: Uncertain significance for Inborn genetic diseases. Last evaluated: 2023-03-31. Review status: criteria provided, single submitter. Criteria: Ambry Variant Classification Scheme 2023. Collection method: clinical testing. Allele origin: germline.

Juno Genomics, Hangzhou Juno Genomics, Inc
Classification: Uncertain significance for Lethal Kniest-like syndrome; Schwartz-Jampel syndrome type 1. Review status: criteria provided, single submitter. Criteria: ACMG Guidelines, 2015. Collection method: clinical testing. Allele origin: germline.
Comment: Absent from controls (or at extremely low frequency if recessive) in Genome Aggregation Database.;Missense variant in a gene that has a low rate of benign missense variation.;Multiple lines of computational evidence support a deleterious effect on the gene or gene product.

NM_005529.7(HSPG2):c.2201C>G (p.Pro734Arg)

Gene: HSPG2 (heparan sulfate proteoglycan 2; minus strand). Cytogenetic location: 1p36.12.
Variant type: single nucleotide variant.
Coding change: c.2201C>G on transcript NM_005529.7 (MANE Select); coding-DNA position 2201, C replaced by G.
Protein change: p.Pro734Arg; replaces proline 734 with arginine.
Molecular consequence: missense variant.
Genome position (GRCh38, 1-based): chr1:21,880,249, G>C on the plus strand (C>G on the coding strand, the complement: HSPG2 is on the minus strand). VCF-style: chr1-21880249-G-C. GRCh37 (hg19) VCF-style: chr1-22206742-G-C.
Other names: c.2204C>G, p.Pro735Arg (NM_001291860.2); short protein forms P734R, P735R.
Identifiers: ClinVar variation 2569139 (VCV002569139.4), dbSNP rs553813960, ClinGen allele CA673137.
Genomic context (GRCh38, chr1:21,880,249, plus strand): 5'-CCAGGCACCCGAGTGAAGTGGGCATCACAGCTCTCGCAGGACAAGCCAGAATAGCCAATG[G>C]GGCATCTGTGGGGACAGGACCAAAAGAGTCGCTGCAAGGACGGTGAGGCCCTGCCGTTTC-3'
Protein context (NP_005520.4, residues 724-744): RAHSVEECRC[Pro734Arg]IGYSGLSCES